The following is an entry in ClinVar:

NM_000143.4(FH):c.1187_1188delinsCT (p.Val396Ala)

Gene: FH (fumarate hydratase; minus strand). Cytogenetic location: 1q43.
Variant type: Indel.
Coding change: c.1187_1188delinsCT on transcript NM_000143.4 (MANE Select); coding-DNA positions 1187 to 1188, TC replaced by CT.
Protein change: p.Val396Ala; replaces valine 396 with alanine.
Molecular consequence: missense variant.
Genome position (GRCh38, 1-based): chr1:241,502,491-241,502,492, GA replaced by AG on the plus strand (TC replaced by CT on the coding strand, the reverse complement: FH is on the minus strand). VCF-style: chr1-241502491-GA-AG. GRCh37 (hg19) VCF-style: chr1-241665791-GA-AG.
Other names: short protein forms V396A.
Identifiers: ClinVar variation 1743640 (VCV001743640.3), dbSNP rs2527316596, ClinGen allele CA2580063470.

ClinVar aggregate classification (germline): Uncertain significance. Review status: criteria provided, multiple submitters, no conflicts (2 of 4 stars). 2 submissions from 2 submitters: Uncertain significance (2). Last evaluated 2025-02-24.

Conditions:
Hereditary cancer-predisposing syndrome. Also called: Hereditary Cancer Syndrome; Neoplastic Syndromes, Hereditary; Tumor predisposition; Hereditary neoplastic syndrome. Identifiers: Orphanet 140162, MedGen C0027672, MeSH D009386, MONDO:0015356.

Submissions (2):

Labcorp Genetics (formerly Invitae), Labcorp
Classification: Uncertain significance. Last evaluated: 2025-02-24. Review status: criteria provided, single submitter. Criteria: Invitae Variant Classification Sherloc (09022015). Collection method: clinical testing. Allele origin: germline.
Comment: This sequence change replaces valine, which is neutral and non-polar, with alanine, which is neutral and non-polar, at codon 396 of the FH protein (p.Val396Ala). Information on the frequency of this variant in the gnomAD database is not available, as this variant may be reported differently in the database. This variant has not been reported in the literature in individuals affected with FH-related conditions. ClinVar contains an entry for this variant (Variation ID: 1743640). An algorithm developed to predict the effect of missense changes on protein structure and function (PolyPhen-2) suggests that this variant is likely to be tolerated. In summary, the available evidence is currently insufficient to determine the role of this variant in disease. Therefore, it has been classified as a Variant of Uncertain Significance.

Ambry Genetics
Classification: Uncertain significance for Hereditary cancer-predisposing syndrome. Last evaluated: 2019-10-18. Review status: criteria provided, single submitter. Criteria: Ambry Variant Classification Scheme 2023. Collection method: clinical testing. Allele origin: germline.
Comment: The c.1187_1188delTCinsCT variant (also known as p.V396A), located in coding exon 8 of the FH gene, results from an in-frame deletion of TC and insertion of CT at nucleotide positions 1187 to 1188. This results in the substitution of the valine residue for an alanine residue at codon 396, an amino acid with similar properties. This amino acid position is not well conserved in available vertebrate species. Since supporting evidence is limited at this time, the clinical significance of this alteration remains unclear.